The following is an entry in ClinVar:

NM_000520.6(HEXA):c.894T>G (p.Tyr298Ter)

Gene: HEXA (hexosaminidase subunit alpha; minus strand). Cytogenetic location: 15q23.
Variant type: single nucleotide variant.
Coding change: c.894T>G on transcript NM_000520.6 (MANE Select); coding-DNA position 894, T replaced by G.
Protein change: p.Tyr298Ter; replaces tyrosine 298 with a stop codon.
Molecular consequence: nonsense. On other transcripts: non-coding transcript variant (1).
Genome position (GRCh38, 1-based): chr15:72,349,171, A>C on the plus strand (T>G on the coding strand, the complement: HEXA is on the minus strand). VCF-style: chr15-72349171-A-C. GRCh37 (hg19) VCF-style: chr15-72641512-A-C.
Other names: c.927T>G, p.Tyr309Ter (NM_001318825.2); short protein forms Y298*, Y309*.
Identifiers: ClinVar variation 5015942 (VCV005015942.1).

ClinVar aggregate classification (germline): Pathogenic (1 of 4 stars; one submission).

Conditions:
Tay-Sachs disease (TSD). Also called: HEXA DEFICIENCY; GM2 gangliosidosis, type 1; Hexosaminidase alpha-subunit deficiency (variant B); Sphingolipidosis, Tay-Sachs; Hexosaminidase A Deficiency; HEXA Disorders. Identifiers: Orphanet 845, MedGen C0039373, MONDO:0010100, OMIM 272800.

Submission:

Myriad Genetics, Inc.
Classification: Pathogenic for Tay-Sachs disease. Last evaluated: 2026-05-21. Review status: criteria provided, single submitter. Criteria: Myriad Autosomal Dominant, Autosomal Recessive and X-Linked Classification Criteria (2023). Collection method: clinical testing. Allele origin: unknown.
Comment: NM_000520.4(HEXA):c.894T>G(Y298*) is expected to be pathogenic in the context of hexosaminidase A deficiency. This variant is predicted to lead to an abnormal or absent protein product due to the creation of a premature termination codon in HEXA, a gene where loss-of-function variants are known to be pathogenic. Please note: this variant was assessed in the context of healthy population screening.